The following continues an entry in ClinVar:

NM_005633.4(SOS1):c.1310T>C (p.Ile437Thr)

Gene: SOS1. ClinVar aggregate classification (germline): Pathogenic/Likely pathogenic. Pathogenic (15); Likely pathogenic (3).

Submissions 11 to 19 of 19:

Ambry Genetics
Classification: Pathogenic for Cardiovascular phenotype. Last evaluated: 2021-05-25. Review status: criteria provided, single submitter. Criteria: Ambry Variant Classification Scheme 2023. Collection method: clinical testing. Allele origin: germline.
Comment: The p.I437T pathogenic mutation (also known as c.1310T>C), located in coding exon 10 of the SOS1 gene, results from a T to C substitution at nucleotide position 1310. The isoleucine at codon 437 is replaced by threonine, an amino acid with similar properties, and is located in the pleckstrin homology domain. This mutation has been detected in several unrelated individuals reported to have Noonan syndrome, including de novo occurrences in affected index cases (Lepri F et al. Hum Mutat, 2011 Jul;32:760-72; Moniez S et al. Eur J Endocrinol, 2018 Dec;179:409-418; Prasad RM et al. Pediatr Blood Cancer, 2018 11;65:e27362; Yang L et al. BMC Med Genet, 2018 12;19:212; Ferriero K et al. Front Pediatr, 2020 Sep;8:515; Lazzaro G et al. Mol Genet Genomic Med, 2020 04;8:e1069). This variant is considered to be rare based on population cohorts in the Genome Aggregation Database (gnomAD). In addition, this alteration is predicted to be deleterious by in silico analysis. Based on the supporting evidence, this alteration is interpreted as a disease-causing mutation.

Genome Diagnostics Laboratory, The Hospital for Sick Children
Classification: Pathogenic for Noonan syndrome and Noonan-related syndrome. Last evaluated: 2021-03-23. Review status: criteria provided, single submitter. Criteria: ACMG Guidelines, 2015. Collection method: clinical testing. Allele origin: germline. Affected: yes.

Institute of Medical Genetics and Applied Genomics, University Hospital Tübingen
Classification: Likely pathogenic. Last evaluated: 2020-10-23. Review status: criteria provided, single submitter. Criteria: ACMG Guidelines, 2015. Collection method: clinical testing. Allele origin: germline. Inheritance: Autosomal dominant inheritance. Affected: yes.

Eurofins Ntd Llc (ga)
Classification: Pathogenic. Last evaluated: 2016-12-14. Review status: criteria provided, single submitter. Criteria: EGL Classification Definitions 2015. Collection method: clinical testing. Allele origin: germline. Observed: 2 variant alleles, 2 heterozygotes.

Laboratory for Molecular Medicine, Mass General Brigham Personalized Medicine
Classification: Pathogenic for Noonan syndrome. Last evaluated: 2014-05-12. Review status: criteria provided, single submitter. Criteria: LMM Criteria. Collection method: clinical testing. Allele origin: germline. Inheritance: Autosomal dominant inheritance. Observed: 12 variant alleles.
Comment: The p.Ile437Thr variant in SOS1 has been reported in two individuals with clinic al features of Noonan syndrome and was determined to have occurred de novo in on e of them (Lepri 2011). In addition, this variant has been identified by our lab oratory in >5 individuals with clinical features of Noonan syndrome and segregat ed with disease in 4 affected relatives from 2 families (LMM data). This variant was absent from large population studies. In summary, this variant meets criter ia to be classified as pathogenic for Noonan syndrome in an autosomal dominant m anner.

Center for Genomics, Ann and Robert H. Lurie Children's Hospital of Chicago
Classification: Pathogenic for Noonan syndrome 4; Fibromatosis, gingival, 1. Review status: criteria provided, single submitter. Criteria: ACMG Guidelines, 2015. Collection method: clinical testing. Allele origin: germline.
Comment: SOS1 NM_005633.3 exon 10 p.Ile437Thr (c.1310T>C): This variant has been reported in the literature in multiple individuals with Noonan syndrome, including two cases reported to be de novo (Lepri 2011 PMID:21387466, Prasad 2018 PMID:30039904, Yang 2018 PMID:30541462). This variant is not present in large control databases but is present in ClinVar, with several labs classifying this variant as pathogenic (Variation ID:45345). Evolutionary conservation and computational predictive tools support that this variant may impact the protein. In summary, this variant is classified as pathogenic based on the data above.

Genome-Nilou Lab
Classification: Likely pathogenic for Noonan syndrome 4. Review status: criteria provided, single submitter. Criteria: ACMG Guidelines, 2015. Collection method: clinical testing. Allele origin: germline.

Neuberg Centre For Genomic Medicine, NCGM
Classification: Pathogenic for Noonan syndrome 4. Review status: criteria provided, single submitter. Criteria: ACMG Guidelines, 2015. Collection method: clinical testing. Allele origin: germline. Inheritance: Autosomal dominant inheritance. Affected: yes.
Comment: The missense variant p.I437T in SOS1 (NM_005633.4) has been reported previously in individuals affected with Noonan syndrome, including an apparently de novo occurrence (Lepri et al., 2011; Lepri et al., 2014). Missense variants in the same residue (I437N) and in nearby residues (W432R, E433K, G434R, C441Y) have been reported in the Human Gene Mutation Database in association with Noonan syndrome (Stenson et al., 2014), supporting the functional importance of this region of the protein. The p.I437T variant is novel (not in any individuals) in gnomAD Exomes and is novel (not in any individuals) in 1000 Genomes. There is a moderate physicochemical difference between isoleucine and threonine. The p.I437T missense variant is predicted to be damaging by both SIFT and PolyPhen2. The isoleucine residue at codon 437 of SOS1 is conserved in all mammalian species. The nucleotide c.1310 in SOS1 is predicted conserved by GERP++ and PhyloP across 100 vertebrates. For these reasons, this variant has been classified as Pathogenic.

ARUP Laboratories, Molecular Genetics and Genomics, ARUP Laboratories
Classification: Pathogenic for Noonan syndrome. Last evaluated: 2013-08-23. Review status: no assertion criteria provided. Collection method: clinical testing. Allele origin: germline. Affected: yes. Observed: 1 variant allele. Not counted in ClinVar's aggregate classification.

Literature cited by the submitters: PubMed 21387466 (cited by 6 submitters); PubMed 24803665 (cited by Dasa and Ambry Genetics); PubMed 30541462 (cited by Dasa and Ambry Genetics); PubMed 30039904 (cited by 3 submitters); PubMed 24451042 (cited by 3 submitters); PubMed 33042901 (cited by Dasa and Ambry Genetics); PubMed 20648242 (cited by Dasa); PubMed 29493581 (cited by Dasa); PubMed 17143282 (cited by Dasa); PubMed 12628188 (cited by Dasa); PubMed 31785789 (cited by Dasa); PubMed 17143285 (cited by Victorian Clinical Genetics Services, Murdoch Childrens Research Institute); DOI 10.3389/fendo.2024.1312357 (cited by Laan Lab, Human Genetics Research Group, University of Tartu); PubMed 22585553 (cited by Women's Health and Genetics/Laboratory Corporation of America, LabCorp); PubMed 30325180 (cited by Ambry Genetics); PubMed 31573083 (cited by Ambry Genetics); PubMed 32059087 (cited by Ambry Genetics).